The following is an entry in ClinVar:

ClinVar aggregate classification (germline): Likely pathogenic (1 of 4 stars; one submission).

Conditions:
Primary ciliary dyskinesia. Also called: Ciliary dyskinesia. Identifiers: Orphanet 244, MedGen C0008780, MONDO:0016575, HP:0012265.

Submission:

Ambry Genetics
Classification: Likely pathogenic for Primary ciliary dyskinesia. Last evaluated: 2019-01-03. Review status: criteria provided, single submitter. Criteria: Ambry Variant Classification Scheme 2023. Collection method: clinical testing. Allele origin: germline.
Comment: The c.7610-2A>G intronic variant results from an A to G substitution two nucleotides upstream from coding exon 46 in the DNAH5 gene. This nucleotide position is highly conserved in available vertebrate species. Using the BDGP and ESEfinder splice site prediction tools, this alteration is predicted to abolish the native splice acceptor site; however, direct evidence is unavailable. Alterations that disrupt the canonical splice site are expected to cause aberrant splicing, resulting in an abnormal protein or a transcript that is subject to nonsense-mediated mRNA decay. As such, this alteration is classified as likely pathogenic.

NM_001369.3(DNAH5):c.7610-2A>G

Gene: DNAH5 (dynein axonemal heavy chain 5; minus strand). Cytogenetic location: 5p15.2.
Variant type: single nucleotide variant.
Coding change: c.7610-2A>G on transcript NM_001369.3 (MANE Select); the canonical splice acceptor site of the intron before coding-DNA position 7610, A replaced by G.
Molecular consequence: splice acceptor variant.
Genome position (GRCh38, 1-based): chr5:13,809,188, T>C on the plus strand (A>G on the coding strand, the complement: DNAH5 is on the minus strand). VCF-style: chr5-13809188-T-C. GRCh37 (hg19) VCF-style: chr5-13809297-T-C.
Identifiers: ClinVar variation 1759795 (VCV001759795.2), dbSNP rs2546801557, ClinGen allele CA359231102.